The following is an entry in ClinVar:

NM_018444.4(PDP1):c.1333C>T (p.Pro445Ser)

Gene: PDP1 (pyruvate dehydrogenase phosphatase catalytic subunit 1; plus strand). Cytogenetic location: 8q22.1.
Variant type: single nucleotide variant.
Coding change: c.1333C>T on transcript NM_018444.4 (MANE Select); coding-DNA position 1333, C replaced by T.
Protein change: p.Pro445Ser; replaces proline 445 with serine.
Molecular consequence: missense variant.
Genome position (GRCh38, 1-based): chr8:93,923,392, C>T. VCF-style: chr8-93923392-C-T. GRCh37 (hg19) VCF-style: chr8-94935620-C-T.
Other names: c.1408C>T, p.Pro470Ser (NM_001161779.2, NM_001161780.2); c.1333C>T, p.Pro445Ser (NM_001161781.2); short protein forms P445S, P470S.
Identifiers: ClinVar variation 1697134 (VCV001697134.2), dbSNP rs2130390590, ClinGen allele CA371696687.

ClinVar aggregate classification (germline): Uncertain significance (1 of 4 stars; one submission).

Allele frequency attached by ClinVar (database versions not stated): gnomAD exomes below 0.00001.
gnomAD v4.1: 1 of 1,609,542 alleles (0.000062%); highest among the groups gnomAD compares: South Asian, 0.0011%; no homozygotes.

Submission:

GeneDx
Classification: Uncertain significance. Last evaluated: 2022-01-14. Review status: criteria provided, single submitter. Criteria: GeneDx Variant Classification Process June 2021. Collection method: clinical testing. Allele origin: germline. Affected: yes.
Comment: Not observed at significant frequency in large population cohorts (gnomAD); In silico analysis supports that this missense variant has a deleterious effect on protein structure/function; Has not been previously published as pathogenic or benign to our knowledge